The following is an entry in ClinVar:

ClinVar aggregate classification (germline): Uncertain significance (1 of 4 stars; one submission).

Conditions:
Fanconi anemia (FA). Also called: Fanconi's anemia. Identifiers: Orphanet 84, MedGen C0015625, MeSH D005199, MONDO:0019391.

Submission:

Labcorp Genetics (formerly Invitae), Labcorp
Classification: Uncertain significance for Fanconi anemia. Last evaluated: 2022-08-09. Review status: criteria provided, single submitter. Criteria: Invitae Variant Classification Sherloc (09022015). Collection method: clinical testing. Allele origin: germline.
Comment: In summary, the available evidence is currently insufficient to determine the role of this variant in disease. Therefore, it has been classified as a Variant of Uncertain Significance. Algorithms developed to predict the effect of missense changes on protein structure and function are either unavailable or do not agree on the potential impact of this missense change (SIFT: "Not Available"; PolyPhen-2: "Benign"; Align-GVGD: "Not Available"). ClinVar contains an entry for this variant (Variation ID: 1489484). This variant has not been reported in the literature in individuals affected with FANCA-related conditions. Information on the frequency of this variant in the gnomAD database is not available, as this variant may be reported differently in the database. This sequence change replaces threonine with glutamic acid at codon 266 of the FANCA protein (p.Thr266Glu). The threonine residue is weakly conserved and there is a small physicochemical difference between threonine and glutamic acid.

NM_000135.4(FANCA):c.796_797delinsGA (p.Thr266Glu)

Gene: FANCA (FA complementation group A; minus strand). Cytogenetic location: 16q24.3.
Variant type: Indel.
Coding change: c.796_797delinsGA on transcript NM_000135.4 (MANE Select); coding-DNA positions 796 to 797, AC replaced by GA.
Protein change: p.Thr266Glu; replaces threonine 266 with glutamic acid.
Molecular consequence: missense variant.
Genome position (GRCh38, 1-based): chr16:89,799,634-89,799,635, GT replaced by TC on the plus strand (AC replaced by GA on the coding strand, the reverse complement: FANCA is on the minus strand). VCF-style: chr16-89799634-GT-TC. GRCh37 (hg19) VCF-style: chr16-89866042-GT-TC.
Other names: c.796_797delinsGA, p.Thr266Glu (NM_001018112.3, NM_001286167.3); c.700_701delinsGA, p.Thr234Glu (NM_001351830.2); short protein forms T266E, T234E.
Identifiers: ClinVar variation 1489484 (VCV001489484.6), dbSNP rs2143585439, ClinGen allele CA2573152802.
Genomic context (GRCh38, chr16:89,799,634, plus strand): 5'-TACAGTCTGGGCTGCAGTGCAATTAACTTACAAATCAGCATTCTCTGCAGTACATCAACC[GT>TC]GACCTGTCAAAATAGAATGTGAGTTACCATCTTGGTAATCTTCTGTAATTTGTGTGATAC-3'
Protein context (NP_000126.2, residues 256-276): TVEPEKMPQV[Thr266Glu]VDVLQRMLIF